The following is an entry in ClinVar:

NM_025114.4(CEP290):c.3949A>G (p.Lys1317Glu)

Gene: CEP290 (centrosomal protein 290; minus strand). Cytogenetic location: 12q21.32.
Variant type: single nucleotide variant.
Coding change: c.3949A>G on transcript NM_025114.4 (MANE Select); coding-DNA position 3949, A replaced by G.
Protein change: p.Lys1317Glu; replaces lysine 1317 with glutamic acid.
Molecular consequence: missense variant.
Genome position (GRCh38, 1-based): chr12:88,089,112, T>C on the plus strand (A>G on the coding strand, the complement: CEP290 is on the minus strand). VCF-style: chr12-88089112-T-C. GRCh37 (hg19) VCF-style: chr12-88482889-T-C.
Other names: short protein forms K1317E.
Identifiers: ClinVar variation 1470499 (VCV001470499.6), dbSNP rs2137270029, ClinGen allele CA386000342.

ClinVar aggregate classification (germline): Uncertain significance. Review status: criteria provided, multiple submitters, no conflicts (2 of 4 stars). 2 submissions from 2 submitters: Uncertain significance (2). Last evaluated 2022-03-07.

Conditions:
Joubert syndrome 5 (JBTS5). Identifiers: Orphanet 2318, MedGen C1857780, MONDO:0012432, OMIM 610188.
Leber congenital amaurosis 10 (LCA10). Identifiers: Orphanet 65, MedGen C1857821, MONDO:0012723, OMIM 611755.
Senior-Loken syndrome 6 (SLSN6). Identifiers: Orphanet 3156, MedGen C1857779, MONDO:0012433, OMIM 610189.
Bardet-Biedl syndrome 14 (BBS14). Identifiers: Orphanet 110, MedGen C2673874, MONDO:0014442, OMIM 615991.
Meckel syndrome, type 4 (MKS4). Also called: MECKEL-GRUBER SYNDROME, TYPE 4. Identifiers: Orphanet 564, MedGen C1970161, MONDO:0012626, OMIM 611134.
Nephronophthisis. Also called: Juvenile Nephronophthisis. Identifiers: Orphanet 655, MedGen C0687120, MONDO:0019005, HP:0000090.
Meckel-Gruber syndrome. Also called: DYSENCEPHALIA SPLANCHNOCYSTICA; GRUBER SYNDROME; Dysencephalia splachnocystica. Identifiers: Orphanet 564, MedGen C0265215, MONDO:0018921.
Joubert syndrome. Also called: CEREBELLOPARENCHYMAL DISORDER IV; JOUBERT-BOLTSHAUSER SYNDROME; Familial aplasia of the vermis. Identifiers: Orphanet 475, MedGen C5979921, MONDO:0018772.

Allele frequency attached by ClinVar (database versions not stated): gnomAD exomes 0.00001.
gnomAD v4.1: 7 of 1,573,984 alleles (0.00044%); highest among the groups gnomAD compares: Non-Finnish European, 0.0006%; no homozygotes.

Submissions (2):

Fulgent Genetics
Classification: Uncertain significance for Joubert syndrome 5; Senior-Loken syndrome 6; Meckel syndrome, type 4; Leber congenital amaurosis 10; Bardet-Biedl syndrome 14. Last evaluated: 2022-03-07. Review status: criteria provided, single submitter. Criteria: ACMG Guidelines, 2015. Collection method: clinical testing. Allele origin: unknown.

Labcorp Genetics (formerly Invitae), Labcorp
Classification: Uncertain significance for Joubert syndrome; Meckel-Gruber syndrome; Nephronophthisis. Last evaluated: 2022-02-05. Review status: criteria provided, single submitter. Criteria: Invitae Variant Classification Sherloc (09022015). Collection method: clinical testing. Allele origin: germline.
Comment: This sequence change replaces lysine, which is basic and polar, with glutamic acid, which is acidic and polar, at codon 1317 of the CEP290 protein (p.Lys1317Glu). This variant is not present in population databases (gnomAD no frequency). This variant has not been reported in the literature in individuals affected with CEP290-related conditions. Algorithms developed to predict the effect of missense changes on protein structure and function (SIFT, PolyPhen-2, Align-GVGD) all suggest that this variant is likely to be tolerated. In summary, the available evidence is currently insufficient to determine the role of this variant in disease. Therefore, it has been classified as a Variant of Uncertain Significance.